The following is an entry in ClinVar:

GRCh37/hg19 11q24.3(chr11:129299871-129712175)x3

Genes: BARX2 (BARX homeobox 2; plus strand), TMEM45B (transmembrane protein 45B; plus strand). Cytogenetic location: 11q24.3.
Variant type: copy number gain.
Change: copy number 3 (three copies instead of two) of chr11:129,299,871-129,712,175 (412.3 kb, GRCh37 coordinates, 1-based), cytogenetic band 11q24.3.
Identifiers: ClinVar variation 816520 (VCV000816520.2).

ClinVar aggregate classification (germline): Uncertain significance (1 of 4 stars; one submission).

Submission:

Clinical Genomics Laboratory, Laboratory for Precision Diagnostics, University of Washington
Classification: Uncertain significance. Last evaluated: 2018-04-11. Review status: criteria provided, single submitter. Criteria: Clinical Cytogenomics Laboratory Policy on CNV Interpretation. Collection method: clinical testing. Allele origin: inherited. Affected: yes. Observed: 1 variant allele.